The following is an entry in ClinVar:

ClinVar aggregate classification (germline): Uncertain significance (1 of 4 stars; one submission).

Conditions:
Cardiovascular phenotype. Identifiers: MedGen CN230736.

Submission:

Ambry Genetics
Classification: Uncertain significance for Cardiovascular phenotype. Last evaluated: 2026-05-14. Review status: criteria provided, single submitter. Criteria: Ambry Variant Classification Scheme 2023. Collection method: clinical testing. Allele origin: germline.
Comment: The p.S634F variant (also known as c.1901C>T), located in coding exon 15 of the ENG gene, results from a C to T substitution at nucleotide position 1901. The serine at codon 634 is replaced by phenylalanine, an amino acid with highly dissimilar properties. This amino acid position is conserved. In addition, this alteration is predicted to be tolerated by in silico analysis. Based on the available evidence, the clinical significance of this variant remains unclear.

NM_001114753.3(ENG):c.1901C>T (p.Ser634Phe)

Gene: ENG (endoglin; minus strand). Cytogenetic location: 9q34.11.
Variant type: single nucleotide variant.
Coding change: c.1901C>T on transcript NM_001114753.3 (MANE Select); coding-DNA position 1901, C replaced by T.
Protein change: p.Ser634Phe; replaces serine 634 with phenylalanine.
Molecular consequence: missense variant. On other transcripts: 3 prime UTR variant (1).
Genome position (GRCh38, 1-based): chr9:127,815,758, G>A on the plus strand (C>T on the coding strand, the complement: ENG is on the minus strand). VCF-style: chr9-127815758-G-A. GRCh37 (hg19) VCF-style: chr9-130578037-G-A.
Other names: c.*159C>T (NM_000118.4); c.1355C>T, p.Ser452Phe (NM_001278138.2); short protein forms S452F, S634F.
Identifiers: ClinVar variation 4870468 (VCV004870468.1).